The following is an entry in ClinVar:

ClinVar aggregate classification (germline): Uncertain significance (1 of 4 stars; one submission).

Submission:

Ambry Genetics
Classification: Uncertain significance. Last evaluated: 2025-12-10. Review status: criteria provided, single submitter. Criteria: Ambry Variant Classification Scheme 2023. Collection method: clinical testing. Allele origin: germline.
Comment: The p.T272S variant (also known as c.814A>T), located in coding exon 1 of the MC1R gene, results from an A to T substitution at nucleotide position 814. The threonine at codon 272 is replaced by serine, an amino acid with similar properties. This amino acid position is conserved. In addition, this alteration is predicted to be tolerated by in silico analysis. Based on the available evidence, the clinical significance of this variant remains unclear.

NM_002386.4(MC1R):c.814A>T (p.Thr272Ser)

Gene: MC1R (melanocortin 1 receptor; plus strand). Cytogenetic location: 16q24.3.
Variant type: single nucleotide variant.
Coding change: c.814A>T on transcript NM_002386.4 (MANE Select); coding-DNA position 814, A replaced by T.
Protein change: p.Thr272Ser; replaces threonine 272 with serine.
Molecular consequence: missense variant.
Genome position (GRCh38, 1-based): chr16:89,920,072, A>T. VCF-style: chr16-89920072-A-T. GRCh37 (hg19) VCF-style: chr16-89986480-A-T.
Other names: short protein forms T272S.
Identifiers: ClinVar variation 4550322 (VCV004550322.1).